The following is an entry in ClinVar:

NM_004380.3(CREBBP):c.431C>T (p.Thr144Ile)

Gene: CREBBP (CREB binding lysine acetyltransferase; minus strand). Cytogenetic location: 16p13.3.
Variant type: single nucleotide variant.
Coding change: c.431C>T on transcript NM_004380.3 (MANE Select); coding-DNA position 431, C replaced by T.
Protein change: p.Thr144Ile; replaces threonine 144 with isoleucine.
Molecular consequence: missense variant.
Genome position (GRCh38, 1-based): chr16:3,850,664, G>A on the plus strand (C>T on the coding strand, the complement: CREBBP is on the minus strand). VCF-style: chr16-3850664-G-A. GRCh37 (hg19) VCF-style: chr16-3900665-G-A.
Other names: c.431C>T, p.Thr144Ile (NM_001079846.1); c.431C>T (NM_004380.2); short protein forms T144I.
Identifiers: ClinVar variation 2987528 (VCV002987528.4), dbSNP rs1265580155, ClinGen allele CA394561153.
Genomic context (GRCh38, chr16:3,850,664, plus strand): 5'-CTAGTCGCCAGCCCCACTTGCTTTTGTGCTTGCGGATTCAGTGCTTGGGAGGCAGCGGGG[G>A]TGGGCCCAGAGGTGCTGGCTGCCTGTTTAGGCAGGCTGGGGGCTGAAGAATCTCCCTGGC-3'
Protein context (NP_004371.2, residues 134-154): PKQAASTSGP[Thr144Ile]PAASQALNPQ

ClinVar aggregate classification (germline): Uncertain significance. Review status: criteria provided, multiple submitters, no conflicts (2 of 4 stars). 2 submissions from 2 submitters: Uncertain significance (2). Last evaluated 2025-05-22.

Conditions:
CREBBP-related disorder. Also called: CREBBP-related condition; CREBBP-related disorders.
Rubinstein-Taybi syndrome (RSTS). Identifiers: Orphanet 783, MedGen C0035934, MONDO:0019188.

Allele frequency attached by ClinVar (database versions not stated): gnomAD exomes 0.00001.
gnomAD v4.1: 13 of 1,614,202 alleles (0.00081%); highest among the groups gnomAD compares: Non-Finnish European, 0.001%; no homozygotes.

Submissions (2):

PreventionGenetics, part of Exact Sciences
Classification: Uncertain significance for CREBBP-related condition. Last evaluated: 2025-05-22. Review status: criteria provided, single submitter. Criteria: ACMG Guidelines, 2015. Collection method: clinical testing. Allele origin: germline.
Comment: The CREBBP c.431C>T variant is predicted to result in the amino acid substitution p.Thr144Ile. To our knowledge, this variant has not been reported in the literature. This variant is reported in 0.00088% of alleles in individuals of European (Non-Finnish) descent in gnomAD. At this time, the clinical significance of this variant is uncertain due to the absence of conclusive functional and genetic evidence.

Labcorp Genetics (formerly Invitae), Labcorp
Classification: Uncertain significance for Rubinstein-Taybi syndrome. Last evaluated: 2023-04-30. Review status: criteria provided, single submitter. Criteria: Invitae Variant Classification Sherloc (09022015). Collection method: clinical testing. Allele origin: germline.
Comment: This sequence change replaces threonine, which is neutral and polar, with isoleucine, which is neutral and non-polar, at codon 144 of the CREBBP protein (p.Thr144Ile). In summary, the available evidence is currently insufficient to determine the role of this variant in disease. Therefore, it has been classified as a Variant of Uncertain Significance. Advanced modeling of protein sequence and biophysical properties (such as structural, functional, and spatial information, amino acid conservation, physicochemical variation, residue mobility, and thermodynamic stability) has been performed at Invitae for this missense variant, however the output from this modeling did not meet the statistical confidence thresholds required to predict the impact of this variant on CREBBP protein function. This variant has not been reported in the literature in individuals affected with CREBBP-related conditions. This variant is present in population databases (no rsID available, gnomAD 0.0009%).